The following is an entry in ClinVar:

NM_152564.5(VPS13B):c.3641T>A (p.Leu1214Gln)

Gene: VPS13B (vacuolar protein sorting 13 homolog B; plus strand). Cytogenetic location: 8q22.2.
Variant type: single nucleotide variant.
Coding change: c.3641T>A on transcript NM_152564.5 (MANE Select); coding-DNA position 3641, T replaced by A.
Protein change: p.Leu1214Gln; replaces leucine 1214 with glutamine.
Molecular consequence: missense variant.
Genome position (GRCh38, 1-based): chr8:99,467,609, T>A. VCF-style: chr8-99467609-T-A. GRCh37 (hg19) VCF-style: chr8-100479837-T-A.
Other names: c.3641T>A, p.Leu1214Gln (NM_017890.5); c.3641T>A (NM_152564.4, NM_017890.3); short protein forms L1214Q.
Identifiers: ClinVar variation 909262 (VCV000909262.9), dbSNP rs1279523650, ClinGen allele CA371866306.

ClinVar aggregate classification (germline): Uncertain significance. Review status: criteria provided, multiple submitters, no conflicts (2 of 4 stars). 5 submissions from 5 submitters: Uncertain significance (5). Last evaluated 2026-04-03.

Conditions:
VPS13B-related disorder. Also called: VPS13B-related condition.
Cohen syndrome (COH1). Also called: Cutis verticis gyrata, retinitis pigmentosa, and sensorineural deafness; PEPPER SYNDROME. Identifiers: Orphanet 193, MedGen C0265223, MONDO:0008999, OMIM 216550.
Inborn genetic diseases. Identifiers: MedGen C0950123, MeSH D030342.

Allele frequency attached by ClinVar (database versions not stated): gnomAD exomes 0.00001; TOPMed 0.00002; gnomAD 0.00001.
gnomAD v4.1: 21 of 1,611,444 alleles (0.0013%); highest among the groups gnomAD compares: Non-Finnish European, 0.0017%; no homozygotes.

Submissions (5):

PreventionGenetics, part of Exact Sciences
Classification: Uncertain significance for VPS13B-related condition. Last evaluated: 2026-04-03. Review status: criteria provided, single submitter. Criteria: ACMG Guidelines, 2015. Collection method: clinical testing. Allele origin: germline.
Comment: The VPS13B c.3641T>A variant is predicted to result in the amino acid substitution p.Leu1214Gln. To our knowledge, this variant has not been reported in the literature. This variant is reported in 0.0065% of alleles in individuals of European (non-Finnish) descent in gnomAD. At this time, the clinical significance of this variant is uncertain due to the absence of conclusive functional and genetic evidence.

Ambry Genetics
Classification: Uncertain significance for Inborn genetic diseases. Last evaluated: 2024-06-17. Review status: criteria provided, single submitter. Criteria: Ambry Variant Classification Scheme 2023. Collection method: clinical testing. Allele origin: germline.

Labcorp Genetics (formerly Invitae), Labcorp
Classification: Uncertain significance for Cohen syndrome. Last evaluated: 2022-08-06. Review status: criteria provided, single submitter. Criteria: Invitae Variant Classification Sherloc (09022015). Collection method: clinical testing. Allele origin: germline.
Comment: This sequence change replaces leucine, which is neutral and non-polar, with glutamine, which is neutral and polar, at codon 1214 of the VPS13B protein (p.Leu1214Gln). This variant is present in population databases (no rsID available, gnomAD 0.007%). This variant has not been reported in the literature in individuals affected with VPS13B-related conditions. ClinVar contains an entry for this variant (Variation ID: 909262). Algorithms developed to predict the effect of missense changes on protein structure and function are either unavailable or do not agree on the potential impact of this missense change (SIFT: "Not Available"; PolyPhen-2: "Probably Damaging"; Align-GVGD: "Not Available"). In summary, the available evidence is currently insufficient to determine the role of this variant in disease. Therefore, it has been classified as a Variant of Uncertain Significance.

Blueprint Genetics
Classification: Uncertain significance. Last evaluated: 2022-07-13. Review status: criteria provided, single submitter. Criteria: ACMG Guidelines, 2015. Collection method: clinical testing. Allele origin: germline.

Illumina Laboratory Services, Illumina
Classification: Uncertain significance for Cohen syndrome. Last evaluated: 2018-01-12. Review status: criteria provided, single submitter. Criteria: ICSL Variant Classification Criteria 13 December 2019. Collection method: clinical testing. Allele origin: germline.